The following is an entry in ClinVar:

NM_001267550.2(TTN):c.16621+7A>T

Gene: TTN (titin; minus strand). Cytogenetic location: 2q31.2.
Variant type: single nucleotide variant.
Coding change: c.16621+7A>T on transcript NM_001267550.2 (MANE Select); 7 bases into the intron after coding-DNA position 16621, A replaced by T.
Molecular consequence: intron variant.
Genome position (GRCh38, 1-based): chr2:178,732,433, T>A on the plus strand (A>T on the coding strand, the complement: TTN is on the minus strand). VCF-style: chr2-178732433-T-A. GRCh37 (hg19) VCF-style: chr2-179597160-T-A.
Other names: p.?; c.13282+5649A>T (NM_003319.4); c.13858+5649A>T (NM_133437.4); c.13657+5649A>T (NM_133432.3); c.12889+7A>T (NM_133378.4); c.15670+7A>T (NM_001256850.1).
Identifiers: ClinVar variation 46619 (VCV000046619.68), dbSNP rs10200398, ClinGen allele CA282703.

ClinVar aggregate classification (germline): Conflicting classifications of pathogenicity. Review status: criteria provided, conflicting classifications (1 of 4 stars). 21 submissions from 17 submitters: Uncertain significance (2); Benign (10); Likely benign (4). 5 of the submissions do not count toward it. Last evaluated 2026-01-31.

Conditions:
Dilated cardiomyopathy 1G (CMD1G). Identifiers: Orphanet 154, MedGen C1858763, MONDO:0011400, OMIM 604145.
Autosomal recessive limb-girdle muscular dystrophy type 2J (LGMDR10). Also called: MUSCULAR DYSTROPHY, LIMB-GIRDLE, AUTOSOMAL RECESSIVE 10; Limb-girdle muscular dystrophy, type 2J. Identifiers: Orphanet 140922, MedGen C1837342, MONDO:0012127, OMIM 608807.
TTN-related disorder. Also called: TTN-related disorders; TTN-related condition; TTN-related disease.
Early-onset myopathy with fatal cardiomyopathy (CMYO5). Also called: CONGENITAL MYOPATHY 5 WITH CARDIOMYOPATHY; Salih Myopathy. Identifiers: Orphanet 289377, MedGen C2673677, MONDO:0012714, OMIM 611705. Disease mechanism: loss of function.
Tibial muscular dystrophy (TMD). Also called: Udd Distal Myopathy – Tibial Muscular Dystrophy; Tibial muscular dystrophy, tardive; UDD MYOPATHY. Identifiers: Orphanet 609, MedGen C1838244, MONDO:0010870, OMIM 600334.
Myopathy, myofibrillar, 9, with early respiratory failure (MFM9). Also called: Myopathy, distal, with early respiratory failure, autosomal dominant; Hereditary myopathy with early respiratory failure; MYOPATHY, PROXIMAL, WITH EARLY RESPIRATORY MUSCLE INVOLVEMENT; EDSTROM MYOPATHY. Identifiers: Orphanet 178464, Orphanet 34521, MedGen C1863599, MONDO:0011362, OMIM 603689.

Allele frequency attached by ClinVar (database versions not stated): ExAC 0.00072; gnomAD 0.00133 and 0.00132; TOPMed 0.00149; ESP Exome Variant Server 0.00165; 1000 Genomes Project 30x 0.00250; gnomAD exomes 0.00071 and 0.00038; 1000 Genomes Project 0.00220.
gnomAD v4.1: 763 of 1,595,782 alleles (0.048%); highest among the groups gnomAD compares: African/African-American, 0.43%; 2 homozygotes.

Submissions (21):

Labcorp Genetics (formerly Invitae), Labcorp
Classification: Benign for Dilated cardiomyopathy 1G; Autosomal recessive limb-girdle muscular dystrophy type 2J. Last evaluated: 2026-01-31. Review status: criteria provided, single submitter. Criteria: Invitae Variant Classification Sherloc (09022015). Collection method: clinical testing. Allele origin: germline.

CeGaT Center for Human Genetics Tuebingen
Classification: Likely benign. Last evaluated: 2025-10-01. Review status: criteria provided, single submitter. Criteria: CeGaT Center For Human Genetics Tuebingen Variant Classification Criteria Version 2. Collection method: clinical testing. Allele origin: germline. Affected: yes. Observed: 11 variant alleles.
Comment: TTN: BP4, BS1

Mayo Clinic Laboratories, Mayo Clinic
Classification: Likely benign. Last evaluated: 2025-08-19. Review status: criteria provided, single submitter. Criteria: ACMG Guidelines, 2015. Collection method: clinical testing. Allele origin: germline. Observed: 6 variant alleles.
Comment: BS1, BP4, BP7

Molecular Diagnostic Laboratory for Inherited Cardiovascular Disease, Montreal Heart Institute
Classification: Likely benign. Last evaluated: 2025-04-09. Review status: criteria provided, single submitter. Criteria: ACMG Guidelines, 2015. Collection method: clinical testing. Allele origin: germline. Affected: no.

ARUP Laboratories, Molecular Genetics and Genomics, ARUP Laboratories
Classification: Benign. Last evaluated: 2025-03-10. Review status: criteria provided, single submitter. Criteria: ARUP Molecular Germline Variant Investigation Process 2024. Collection method: clinical testing. Allele origin: germline.

Blueprint Genetics
Classification: Likely benign. Last evaluated: 2024-10-24. Review status: criteria provided, single submitter. Criteria: ACMG Guidelines, 2015. Collection method: clinical testing. Allele origin: germline.

Women's Health and Genetics/Laboratory Corporation of America, LabCorp
Classification: Benign. Last evaluated: 2021-03-25. Review status: criteria provided, single submitter. Criteria: LabCorp Variant Classification Summary - May 2015. Collection method: clinical testing. Allele origin: germline.
Comment: Variant summary: TTN c.12889+7A>T alters a non-conserved nucleotide located close to a canonical splice site and therefore could affect mRNA splicing, leading to a significantly altered protein sequence. 2/3 computational tools predict no significant impact on normal splicing, while one predicts the variant abolishes a 5' splicing donor site. However, these predictions have yet to be confirmed by functional studies. The variant allele was found at a frequency of 0.00071 in 238564 control chromosomes, predominantly at a frequency of 0.0042 within the African or African-American subpopulation in the gnomAD database. The observed variant frequency within African or African-American control individuals in the gnomAD database is approximately 10-fold of the estimated maximal expected allele frequency for a pathogenic variant in TTN causing Dilated Cardiomyopathy phenotype (0.00039), strongly suggesting that the variant is a benign polymorphism found primarily in populations of African or African-American origin. To our knowledge, no occurrence of c.12889+7A>T in individuals affected with Dilated Cardiomyopathy and no experimental evidence demonstrating its impact on protein function have been reported. Five clinical diagnostic laboratories have submitted clinical-significance assessments for this variant to ClinVar after 2014 without evidence for independent evaluation, and all of them classified the variant as benign (n=4) / likely benign (n=1). Based on the evidence outlined above, the variant was classified as benign.

Athena Diagnostics
Classification: Benign. Last evaluated: 2017-06-06. Review status: criteria provided, single submitter. Criteria: Athena Diagnostics Criteria. Collection method: clinical testing. Allele origin: germline.

Illumina Laboratory Services, Illumina
Classification: Benign for Dilated cardiomyopathy 1G. Last evaluated: 2017-04-27. Review status: criteria provided, single submitter. Criteria: ICSL Variant Classification Criteria 13 December 2019. Collection method: clinical testing. Allele origin: germline.
Comment: This variant was observed as part of a predisposition screen in an ostensibly healthy population. A literature search was performed for the gene, cDNA change, and amino acid change (where applicable). No publications were found based on this search. Allele frequency data from public databases was too high to be consistent with this variant causing disease. Therefore, this variant is classified as benign.

Illumina Laboratory Services, Illumina
Classification: Benign for Myopathy, myofibrillar, 9, with early respiratory failure. Last evaluated: 2017-04-27. Review status: criteria provided, single submitter. Criteria: ICSL Variant Classification Criteria 13 December 2019. Collection method: clinical testing. Allele origin: germline.
Comment: the same text as in the submission from Illumina Laboratory Services, Illumina above.

Illumina Laboratory Services, Illumina
Classification: Uncertain significance for Autosomal recessive limb-girdle muscular dystrophy type 2J. Last evaluated: 2017-04-27. Review status: criteria provided, single submitter. Criteria: ICSL Variant Classification Criteria 13 December 2019. Collection method: clinical testing. Allele origin: germline.

Illumina Laboratory Services, Illumina
Classification: Benign for Tibial muscular dystrophy. Last evaluated: 2017-04-27. Review status: criteria provided, single submitter. Criteria: ICSL Variant Classification Criteria 13 December 2019. Collection method: clinical testing. Allele origin: germline.
Comment: the same text as in the submission from Illumina Laboratory Services, Illumina above.

Illumina Laboratory Services, Illumina
Classification: Uncertain significance for Early-onset myopathy with fatal cardiomyopathy. Last evaluated: 2017-04-27. Review status: criteria provided, single submitter. Criteria: ICSL Variant Classification Criteria 13 December 2019. Collection method: clinical testing. Allele origin: germline.

Eurofins Ntd Llc (ga)
Classification: Benign. Last evaluated: 2016-02-22. Review status: criteria provided, single submitter. Criteria: EGL Classification Definitions 2015. Collection method: clinical testing. Allele origin: germline. Observed: 3 variant alleles, 3 heterozygotes.

GeneDx
Classification: Benign. Last evaluated: 2014-09-04. Review status: criteria provided, single submitter. Criteria: GeneDx Variant Classification (06012015). Collection method: clinical testing. Allele origin: germline. Affected: yes.
Comment: This variant is considered likely benign or benign based on one or more of the following criteria: it is a conservative change, it occurs at a poorly conserved position in the protein, it is predicted to be benign by multiple in silico algorithms, and/or has population frequency not consistent with disease.

Laboratory for Molecular Medicine, Mass General Brigham Personalized Medicine
Classification: Benign. Last evaluated: 2012-03-14. Review status: criteria provided, single submitter. Criteria: LMM Criteria. Collection method: clinical testing. Allele origin: germline. Observed: 5 variant alleles.
Comment: 12889+7A>T in intron 53 of TTN: This variant is not expected to have clinical si gnificance because it is not located within the splice consensus sequence and ha s been identified in 0.4% (13/3156) of African American chromosomes from a broad population by the NHLBI Exome Sequencing Project (EVS; dbSNP rs10200398).

PreventionGenetics, part of Exact Sciences
Classification: Likely benign for TTN-related condition. Last evaluated: 2019-08-03. Review status: no assertion criteria provided. Collection method: clinical testing. Allele origin: germline. Not counted in ClinVar's aggregate classification.
Comment: This variant is classified as likely benign based on ACMG/AMP sequence variant interpretation guidelines (Richards et al. 2015 PMID: 25741868, with internal and published modifications).

Clinical Genetics DNA and cytogenetics Diagnostics Lab, Erasmus MC, Erasmus Medical Center
Classification: Likely benign. Review status: no assertion criteria provided. Collection method: clinical testing. Allele origin: germline. Affected: yes. Study: VKGL Data-share Consensus. Not counted in ClinVar's aggregate classification.

Clinical Genetics, Academic Medical Center
Classification: Benign. Review status: no assertion criteria provided. Collection method: clinical testing. Allele origin: germline. Affected: yes. Study: VKGL Data-share Consensus. Not counted in ClinVar's aggregate classification.

Diagnostic Laboratory, Department of Genetics, University Medical Center Groningen
Classification: Likely benign. Review status: no assertion criteria provided. Collection method: clinical testing. Allele origin: germline. Affected: yes. Study: VKGL Data-share Consensus. Not counted in ClinVar's aggregate classification.

Laboratory of Diagnostic Genome Analysis, Leiden University Medical Center (LUMC)
Classification: Likely benign. Review status: no assertion criteria provided. Collection method: clinical testing. Allele origin: germline. Affected: yes. Study: VKGL Data-share Consensus. Not counted in ClinVar's aggregate classification.

Literature cited by the submitters: PubMed 30086531 (cited by Mayo Clinic Laboratories, Mayo Clinic).